The following is an entry in ClinVar:

ClinVar aggregate classification (germline): Uncertain significance. Review status: criteria provided, multiple submitters, no conflicts (2 of 4 stars). 2 submissions from 2 submitters: Uncertain significance (2). Last evaluated 2025-06-24.

Conditions:
Inborn genetic diseases. Identifiers: MedGen C0950123, MeSH D030342.

Allele frequency attached by ClinVar (database versions not stated): TOPMed below 0.00001; gnomAD 0.00001; gnomAD exomes 0.00002.
gnomAD v4.1: 26 of 1,613,168 alleles (0.0016%); highest among the groups gnomAD compares: Non-Finnish European, 0.0019%; no homozygotes.

Submissions (2):

Labcorp Genetics (formerly Invitae), Labcorp
Classification: Uncertain significance. Last evaluated: 2025-06-24. Review status: criteria provided, single submitter. Criteria: Invitae Variant Classification Sherloc (09022015). Collection method: clinical testing. Allele origin: germline.
Comment: This sequence change replaces leucine, which is neutral and non-polar, with methionine, which is neutral and non-polar, at codon 1159 of the RERE protein (p.Leu1159Met). This variant is present in population databases (no rsID available, gnomAD 0.002%). This variant has not been reported in the literature in individuals affected with RERE-related conditions. ClinVar contains an entry for this variant (Variation ID: 2272269). Invitae Evidence Modeling of protein sequence and biophysical properties (such as structural, functional, and spatial information, amino acid conservation, physicochemical variation, residue mobility, and thermodynamic stability) has been performed for this missense variant. However, the output from this modeling did not meet the statistical confidence thresholds required to predict the impact of this variant on RERE protein function. In summary, the available evidence is currently insufficient to determine the role of this variant in disease. Therefore, it has been classified as a Variant of Uncertain Significance.

Ambry Genetics
Classification: Uncertain significance for Inborn genetic diseases. Last evaluated: 2022-01-19. Review status: criteria provided, single submitter. Criteria: Ambry Variant Classification Scheme 2023. Collection method: clinical testing. Allele origin: germline.

NM_001042681.2(RERE):c.3475C>A (p.Leu1159Met)

Gene: RERE (arginine-glutamic acid dipeptide repeats; minus strand). Cytogenetic location: 1p36.23.
Variant type: single nucleotide variant.
Coding change: c.3475C>A on transcript NM_001042681.2 (MANE Select); coding-DNA position 3475, C replaced by A.
Protein change: p.Leu1159Met; replaces leucine 1159 with methionine.
Molecular consequence: missense variant.
Genome position (GRCh38, 1-based): chr1:8,359,907, G>T on the plus strand (C>A on the coding strand, the complement: RERE is on the minus strand). VCF-style: chr1-8359907-G-T. GRCh37 (hg19) VCF-style: chr1-8419967-G-T.
Other names: c.1813C>A, p.Leu605Met (NM_001042682.2); c.3475C>A, p.Leu1159Met (NM_012102.4); short protein forms L1159M, L605M.
Identifiers: ClinVar variation 2272269 (VCV002272269.3), dbSNP rs1273720476, ClinGen allele CA338170503.